The following is an entry in ClinVar:

ClinVar aggregate classification (germline): Uncertain significance (1 of 4 stars; one submission).

Conditions:
Hereditary spastic paraplegia 45. Also called: Spastic paraplegia 45, autosomal recessive; SPASTIC PARAPLEGIA 45. Identifiers: Orphanet 320396, MedGen C3888209, MONDO:0013165, OMIM 613162.

Allele frequency attached by ClinVar (database versions not stated): ExAC 0.00001.
gnomAD v4.1: 2 of 1,611,362 alleles (0.00012%); highest among the groups gnomAD compares: Non-Finnish European, 0.00017%; no homozygotes.

Submission:

Labcorp Genetics (formerly Invitae), Labcorp
Classification: Uncertain significance for Hereditary spastic paraplegia 45. Last evaluated: 2022-04-25. Review status: criteria provided, single submitter. Criteria: Invitae Variant Classification Sherloc (09022015). Collection method: clinical testing. Allele origin: germline.
Comment: In summary, the available evidence is currently insufficient to determine the role of this variant in disease. Therefore, it has been classified as a Variant of Uncertain Significance. Algorithms developed to predict the effect of missense changes on protein structure and function (SIFT, PolyPhen-2, Align-GVGD) all suggest that this variant is likely to be disruptive. This variant has not been reported in the literature in individuals affected with NT5C2-related conditions. This variant is present in population databases (rs769321277, gnomAD 0.0009%). This sequence change replaces aspartic acid, which is acidic and polar, with histidine, which is basic and polar, at codon 206 of the NT5C2 protein (p.Asp206His).

NM_001351169.2(NT5C2):c.616G>C (p.Asp206His)

Gene: NT5C2 (5'-nucleotidase, cytosolic II; minus strand). Cytogenetic location: 10q24.32.
Variant type: single nucleotide variant.
Coding change: c.616G>C on transcript NM_001351169.2 (MANE Select); coding-DNA position 616, G replaced by C.
Protein change: p.Asp206His; replaces aspartic acid 206 with histidine.
Molecular consequence: missense variant. On other transcripts: 5 prime UTR variant (3).
Genome position (GRCh38, 1-based): chr10:103,099,943, C>G on the plus strand (G>C on the coding strand, the complement: NT5C2 is on the minus strand). VCF-style: chr10-103099943-C-G. GRCh37 (hg19) VCF-style: chr10-104859700-C-G.
Other names: c.616G>C, p.Asp206His (NM_001134373.3, NM_012229.5); c.640G>C, p.Asp214His (NM_001351170.2, NM_001351171.2, NM_001351172.2 and 1 more transcripts); c.529G>C, p.Asp177His (NM_001351174.1); c.523G>C, p.Asp175His (NM_001351175.2); c.43G>C, p.Asp15His (NM_001351176.2, NM_001351177.2, NM_001351178.2 and 16 more transcripts); c.-140G>C (NM_001351194.2, NM_001351195.2, NM_001351196.2); short protein forms D15H, D214H, D175H, D177H, D206H.
Identifiers: ClinVar variation 2186004 (VCV002186004.4), dbSNP rs769321277, ClinGen allele CA5671040.